The following is an entry in ClinVar:

NM_002294.3(LAMP2):c.992G>A (p.Cys331Tyr)

Gene: LAMP2 (lysosome associated membrane protein 2; minus strand). Cytogenetic location: Xq24.
Variant type: single nucleotide variant.
Coding change: c.992G>A on transcript NM_002294.3 (MANE Select); coding-DNA position 992, G replaced by A.
Protein change: p.Cys331Tyr; replaces cysteine 331 with tyrosine.
Molecular consequence: missense variant.
Genome position (GRCh38, 1-based): chrX:120,441,831, C>T on the plus strand (G>A on the coding strand, the complement: LAMP2 is on the minus strand). VCF-style: chrX-120441831-C-T. GRCh37 (hg19) VCF-style: chrX-119575686-C-T.
Other names: c.992G>A, p.Cys331Tyr (NM_001122606.1, NM_013995.2); short protein forms C331Y.
Identifiers: ClinVar variation 4826530 (VCV004826530.1).

ClinVar aggregate classification (germline): Uncertain significance (1 of 4 stars; one submission).

Conditions:
Cardiovascular phenotype. Identifiers: MedGen CN230736.

Submission:

Ambry Genetics
Classification: Uncertain significance for Cardiovascular phenotype. Last evaluated: 2026-03-12. Review status: criteria provided, single submitter. Criteria: Ambry Variant Classification Scheme 2023. Collection method: clinical testing. Allele origin: germline.
Comment: The p.C331Y variant (also known as c.992G>A), located in coding exon 8 of the LAMP2 gene, results from a G to A substitution at nucleotide position 992. The cysteine at codon 331 is replaced by tyrosine, an amino acid with highly dissimilar properties. This amino acid position is conserved. In addition, this alteration is predicted to be deleterious by in silico analysis. Based on the available evidence, the clinical significance of this variant remains unclear.